The following is an entry in ClinVar:

NM_013432.5(TONSL):c.2407C>T (p.Gln803Ter)

Genes: TONSL (tonsoku like, DNA repair protein; minus strand), TONSL-AS1 (TONSL antisense RNA 1; plus strand). Cytogenetic location: 8q24.3.
Variant type: single nucleotide variant.
Coding change: c.2407C>T on transcript NM_013432.5 (MANE Select); coding-DNA position 2407, C replaced by T.
Protein change: p.Gln803Ter; replaces glutamine 803 with a stop codon.
Molecular consequence: nonsense.
Genome position (GRCh38, 1-based): chr8:144,436,026, G>A on the plus strand (C>T on the coding strand, the complement: TONSL is on the minus strand). VCF-style: chr8-144436026-G-A. GRCh37 (hg19) VCF-style: chr8-145661409-G-A.
Other names: TONSL, GLN803TER (rs769100855); short protein forms Q803*.
Identifiers: ClinVar variation 638060 (VCV000638060.8), dbSNP rs769100855, ClinGen allele CA4942837.
Genomic context (GRCh38, chr8:144,436,026, plus strand): 5'-CTGCCTGGGGGGCAAGGGCTTTGCTGTGGCCCCGCGGTGGGCCAGGCCCCAGCCGGCTCT[G>A]AGCACTGCCCACACCCCGGATGGCTGCCTGGTAGGCTGCCCGGCTGGTGCTGGCTGTGGC-3'

ClinVar aggregate classification (germline): Pathogenic. Review status: criteria provided, single submitter (1 of 4 stars). 3 submissions from 3 submitters: Pathogenic (1). 2 of the submissions do not count toward it. Last evaluated 2025-10-21.

Conditions:
Sponastrime dysplasia. Also called: SPONDYLAR AND NASAL ALTERATIONS WITH STRIATED METAPHYSES. Identifiers: Orphanet 93357, MedGen C1300260, MONDO:0010068, OMIM 271510.

Allele frequency attached by ClinVar (database versions not stated): gnomAD 0.00001; gnomAD exomes 0.00001; TOPMed 0.00001; ExAC 0.00002.
gnomAD v4.1: 15 of 1,563,712 alleles (0.00096%); highest among the groups gnomAD compares: Non-Finnish European, 0.0013%; no homozygotes.

Submissions (3):

Labcorp Genetics (formerly Invitae), Labcorp
Classification: Pathogenic. Last evaluated: 2025-10-21. Review status: criteria provided, single submitter. Criteria: Invitae Variant Classification Sherloc (09022015). Collection method: clinical testing. Allele origin: germline.
Comment: This sequence change creates a premature translational stop signal (p.Gln803*) in the TONSL gene. It is expected to result in an absent or disrupted protein product. Loss-of-function variants in TONSL are known to be pathogenic (PMID: 30773277). The frequency data for this variant in the population databases is considered unreliable, as metrics indicate poor data quality at this position in the gnomAD database. This premature translational stop signal has been observed in individual(s) with sponastrime dysplasia (PMID: 30773277). ClinVar contains an entry for this variant (Variation ID: 638060). Algorithms developed to predict the effect of sequence changes on RNA splicing suggest that this variant may create or strengthen a splice site. For these reasons, this variant has been classified as Pathogenic.

OMIM
Classification: Pathogenic for SPONDYLOEPIMETAPHYSEAL DYSPLASIA, SPONASTRIME TYPE. Last evaluated: 2019-07-24. Review status: no assertion criteria provided. Collection method: literature only. Allele origin: germline. Not counted in ClinVar's aggregate classification.

University of Washington Center for Mendelian Genomics, University of Washington
Classification: Likely pathogenic for Sponastrime Dysplasia. Review status: no assertion criteria provided. Collection method: research. Allele origin: unknown. Affected: yes. Not counted in ClinVar's aggregate classification.

Literature cited by the submitters: PubMed 30773277 (cited by 3 submitters).